The following is an entry in ClinVar:

ClinVar aggregate classification (germline): Uncertain significance (1 of 4 stars; one submission).

Conditions:
Tumor predisposition syndrome 3 (TPDS3). Also called: Melanoma, cutaneous malignant, susceptibility to, 10; Glioma susceptibility 9; LONG TELOMERE SYNDROME, POT1-RELATED; POT1 Tumor Predisposition. Identifiers: Orphanet 618, MedGen C4014476, MONDO:0014368, OMIM 615848.

Submission:

Labcorp Genetics (formerly Invitae), Labcorp
Classification: Uncertain significance for Tumor predisposition syndrome 3. Last evaluated: 2025-05-13. Review status: criteria provided, single submitter. Criteria: Invitae Variant Classification Sherloc (09022015). Collection method: clinical testing. Allele origin: germline.
Comment: This sequence change replaces arginine, which is basic and polar, with serine, which is neutral and polar, at codon 195 of the POT1 protein (p.Arg195Ser). This variant is not present in population databases (gnomAD no frequency). This variant has not been reported in the literature in individuals affected with POT1-related conditions. Invitae Evidence Modeling of protein sequence and biophysical properties (such as structural, functional, and spatial information, amino acid conservation, physicochemical variation, residue mobility, and thermodynamic stability) indicates that this missense variant is not expected to disrupt POT1 protein function with a negative predictive value of 80%. In summary, the available evidence is currently insufficient to determine the role of this variant in disease. Therefore, it has been classified as a Variant of Uncertain Significance.

NM_015450.3(POT1):c.585A>T (p.Arg195Ser)

Gene: POT1 (protection of telomeres 1; minus strand). Cytogenetic location: 7q31.33.
Variant type: single nucleotide variant.
Coding change: c.585A>T on transcript NM_015450.3 (MANE Select); coding-DNA position 585, A replaced by T.
Protein change: p.Arg195Ser; replaces arginine 195 with serine.
Molecular consequence: missense variant. On other transcripts: non-coding transcript variant (3).
Genome position (GRCh38, 1-based): chr7:124,859,074, T>A on the plus strand (A>T on the coding strand, the complement: POT1 is on the minus strand). VCF-style: chr7-124859074-T-A. GRCh37 (hg19) VCF-style: chr7-124499128-T-A.
Other names: c.192A>T, p.Arg64Ser (NM_001042594.2); short protein forms R195S, R64S.
Identifiers: ClinVar variation 4733145 (VCV004733145.1).
Genomic context (GRCh38, chr7:124,859,074, plus strand): 5'-ATTTTGTAGCCGATGGATGTGACTTAAATCACCTTCAAGAACAAGGTCTTGTATTAAGAC[T>A]CTCCAAGATGGAAATGGTGTCCTGGTGCCATCCCATACCTGCCATAAGAGAGTAGAGTAG-3'
Protein context (NP_056265.2, residues 185-205): DGTRTPFPSW[Arg195Ser]VLIQDLVLEG